The following is an entry in ClinVar:

NM_001082486.2(ACD):c.607C>T (p.Pro203Ser)

Gene: ACD (ACD shelterin complex subunit and telomerase recruitment factor; minus strand). Cytogenetic location: 16q22.1.
Variant type: single nucleotide variant.
Coding change: c.607C>T on transcript NM_001082486.2 (MANE Select); coding-DNA position 607, C replaced by T.
Protein change: p.Pro203Ser; replaces proline 203 with serine.
Molecular consequence: missense variant.
Genome position (GRCh38, 1-based): chr16:67,658,966, G>A on the plus strand (C>T on the coding strand, the complement: ACD is on the minus strand). VCF-style: chr16-67658966-G-A. GRCh37 (hg19) VCF-style: chr16-67692869-G-A.
Other names: c.598C>T, p.Pro200Ser (NM_022914.3); short protein forms P200S, P203S.
Identifiers: ClinVar variation 1059702 (VCV001059702.11), dbSNP rs758700674, ClinGen allele CA8114612.
Genomic context (GRCh38, chr16:67,658,966, plus strand): 5'-CCAAGCAAATCCCCAGACTGACCGTGGCCTTGCATCGTGAGGCAGCCCAGTGGGTGACAG[G>A]GGGTGCTGTGCAAGGGCCCTCCAGTGTCAGGCAGCTTTCAGCCAGGCACACGAGTGCCCC-3'
Protein context (NP_001075955.2, residues 193-213): LTLEGPCTAP[Pro203Ser]VTHWAASRCK

ClinVar aggregate classification (germline): Uncertain significance. Review status: criteria provided, multiple submitters, no conflicts (2 of 4 stars). 2 submissions from 2 submitters: Uncertain significance (2). Last evaluated 2025-08-05.

Conditions:
Inborn genetic diseases. Identifiers: MedGen C0950123, MeSH D030342.
Dyskeratosis congenita, autosomal dominant 6 (DKCA6). Identifiers: Orphanet 3322, MedGen C4225284, MONDO:0014690, OMIM 616553.

Allele frequency attached by ClinVar (database versions not stated): TOPMed below 0.00001; gnomAD 0.00001; gnomAD exomes 0.00002 and 0.00003; ExAC 0.00004.
gnomAD v4.1: 25 of 1,613,772 alleles (0.0015%); highest among the groups gnomAD compares: South Asian, 0.024%; no homozygotes.

Submissions (2):

Ambry Genetics
Classification: Uncertain significance for Inborn genetic diseases. Last evaluated: 2025-08-05. Review status: criteria provided, single submitter. Criteria: Ambry Variant Classification Scheme 2023. Collection method: clinical testing. Allele origin: germline.

Labcorp Genetics (formerly Invitae), Labcorp
Classification: Uncertain significance for Dyskeratosis congenita, autosomal dominant 6. Last evaluated: 2025-07-14. Review status: criteria provided, single submitter. Criteria: Invitae Variant Classification Sherloc (09022015). Collection method: clinical testing. Allele origin: germline.
Comment: This sequence change replaces proline, which is neutral and non-polar, with serine, which is neutral and polar, at codon 289 of the ACD protein (p.Pro289Ser). This variant is present in population databases (rs758700674, gnomAD 0.02%). This variant has not been reported in the literature in individuals affected with ACD-related conditions. ClinVar contains an entry for this variant (Variation ID: 1059702). Invitae Evidence Modeling of protein sequence and biophysical properties (such as structural, functional, and spatial information, amino acid conservation, physicochemical variation, residue mobility, and thermodynamic stability) indicates that this missense variant is not expected to disrupt ACD protein function with a negative predictive value of 80%. In summary, the available evidence is currently insufficient to determine the role of this variant in disease. Therefore, it has been classified as a Variant of Uncertain Significance.